The following is an entry in ClinVar:

NM_177438.3(DICER1):c.1510G>A (p.Val504Ile)

Gene: DICER1 (dicer 1, ribonuclease III; minus strand). Cytogenetic location: 14q32.13.
Variant type: single nucleotide variant.
Coding change: c.1510G>A on transcript NM_177438.3 (MANE Select); coding-DNA position 1510, G replaced by A.
Protein change: p.Val504Ile; replaces valine 504 with isoleucine.
Molecular consequence: missense variant.
Genome position (GRCh38, 1-based): chr14:95,116,695, C>T on the plus strand (G>A on the coding strand, the complement: DICER1 is on the minus strand). VCF-style: chr14-95116695-C-T. GRCh37 (hg19) VCF-style: chr14-95583032-C-T.
Other names: c.1510G>A, p.Val504Ile (NM_001195573.1, NM_001271282.3, NM_001291628.2 and 1 more transcripts); short protein forms V504I.
Identifiers: ClinVar variation 1480922 (VCV001480922.11), dbSNP rs748384175, ClinGen allele CA7331455.

ClinVar aggregate classification (germline): Uncertain significance. Review status: criteria provided, multiple submitters, no conflicts (2 of 4 stars). 2 submissions from 2 submitters: Uncertain significance (2). Last evaluated 2023-11-15.

Conditions:
DICER1-related tumor predisposition. Also called: DICER1-related pleuropulmonary blastoma cancer predisposition syndrome; DICER1 syndrome. Identifiers: Orphanet 284343, MedGen C3839822, MONDO:0100216.
Hereditary cancer-predisposing syndrome. Also called: Hereditary neoplastic syndrome; Tumor predisposition; Neoplastic Syndromes, Hereditary; Hereditary Cancer Syndrome. Identifiers: Orphanet 140162, MedGen C0027672, MeSH D009386, MONDO:0015356.

Allele frequency attached by ClinVar (database versions not stated): gnomAD exomes below 0.00001; ExAC 0.00001.
gnomAD v4.1: 1 of 1,612,158 alleles (0.000062%); highest among the groups gnomAD compares: South Asian, 0.0011%; no homozygotes.

Submissions (2):

Labcorp Genetics (formerly Invitae), Labcorp
Classification: Uncertain significance for DICER1-related tumor predisposition. Last evaluated: 2023-11-15. Review status: criteria provided, single submitter. Criteria: Invitae Variant Classification Sherloc (09022015). Collection method: clinical testing. Allele origin: germline.
Comment: This sequence change replaces valine, which is neutral and non-polar, with isoleucine, which is neutral and non-polar, at codon 504 of the DICER1 protein (p.Val504Ile). This variant is present in population databases (rs748384175, gnomAD 0.003%). This variant has not been reported in the literature in individuals affected with DICER1-related conditions. ClinVar contains an entry for this variant (Variation ID: 1480922). An algorithm developed to predict the effect of missense changes on protein structure and function (PolyPhen-2) suggests that this variant is likely to be disruptive. In summary, the available evidence is currently insufficient to determine the role of this variant in disease. Therefore, it has been classified as a Variant of Uncertain Significance.

Ambry Genetics
Classification: Uncertain significance for Hereditary cancer-predisposing syndrome. Last evaluated: 2021-09-07. Review status: criteria provided, single submitter. Criteria: Ambry Variant Classification Scheme 2023. Collection method: clinical testing. Allele origin: germline.
Comment: The p.V504I variant (also known as c.1510G>A) is located in coding exon 9 of the DICER1 gene. The valine at codon 504 is replaced by isoleucine, an amino acid with highly similar properties. This change occurs in the first base pair of coding exon 9. This amino acid position is highly conserved in available vertebrate species. In addition, this alteration is predicted to be tolerated by in silico analysis. Since supporting evidence is limited at this time, the clinical significance of this alteration remains unclear.